The following is an entry in ClinVar:

NM_181078.3(IL21R):c.770C>T (p.Thr257Ile)

Gene: IL21R (interleukin 21 receptor; plus strand). Cytogenetic location: 16p12.1.
Variant type: single nucleotide variant.
Coding change: c.770C>T on transcript NM_181078.3 (MANE Select); coding-DNA position 770, C replaced by T.
Protein change: p.Thr257Ile; replaces threonine 257 with isoleucine.
Molecular consequence: missense variant.
Genome position (GRCh38, 1-based): chr16:27,445,261, C>T. VCF-style: chr16-27445261-C-T. GRCh37 (hg19) VCF-style: chr16-27456582-C-T.
Other names: c.770C>T, p.Thr257Ile (NM_021798.4); c.836C>T, p.Thr279Ile (NM_181079.5); short protein forms T257I, T279I.
Identifiers: ClinVar variation 1036503 (VCV001036503.9), dbSNP rs200026397, ClinGen allele CA7975047.
Genomic context (GRCh38, chr16:27,445,261, plus strand): 5'-ACCTGCTGCTTCTCCTCCTGCTTGTCATAGTCTTCATTCCTGCCTTCTGGAGCCTGAAGA[C>T]CCATCCATTGTGGAGGTGAGGCCAGGGGATGAGGAAGGCAGGGAGGTGGTCAGCCTGGGC-3'
Protein context (NP_851564.1, residues 247-267): VFIPAFWSLK[Thr257Ile]HPLWRLWKKI

ClinVar aggregate classification (germline): Uncertain significance (1 of 4 stars; one submission).

Conditions:
Cryptosporidiosis-chronic cholangitis-liver disease syndrome. Also called: IL21R immunodeficiency; Immunodeficiency type 56. Identifiers: Orphanet 357329, MedGen C3554687, MONDO:0014082, OMIM 615207.

Allele frequency attached by ClinVar (database versions not stated): gnomAD exomes below 0.00001 and 0.00001; ExAC 0.00002; gnomAD 0.00003; TOPMed 0.00003.
gnomAD v4.1: 10 of 1,613,154 alleles (0.00062%); highest among the groups gnomAD compares: African/African-American, 0.008%; no homozygotes.

Submission:

Labcorp Genetics (formerly Invitae), Labcorp
Classification: Uncertain significance for Cryptosporidiosis-chronic cholangitis-liver disease syndrome. Last evaluated: 2020-05-13. Review status: criteria provided, single submitter. Criteria: Invitae Variant Classification Sherloc (09022015). Collection method: clinical testing. Allele origin: germline.
Comment: This sequence change replaces threonine with isoleucine at codon 257 of the IL21R protein (p.Thr257Ile). The threonine residue is weakly conserved and there is a moderate physicochemical difference between threonine and isoleucine. This variant is present in population databases (rs200026397, ExAC 0.02%). This variant has not been reported in the literature in individuals with IL21R-related conditions. Algorithms developed to predict the effect of missense changes on protein structure and function output the following: SIFT: "Tolerated"; PolyPhen-2: "Benign"; Align-GVGD: "Class C0". The isoleucine amino acid residue is found in multiple mammalian species, suggesting that this missense change does not adversely affect protein function. These predictions have not been confirmed by published functional studies and their clinical significance is uncertain. In summary, the available evidence is currently insufficient to determine the role of this variant in disease. Therefore, it has been classified as a Variant of Uncertain Significance.